The following is an entry in ClinVar:

ClinVar aggregate classification (germline): Uncertain significance (1 of 4 stars; one submission).

Conditions:
Leber congenital amaurosis 13 (LCA13). Identifiers: MedGen C2675186, MONDO:0012990, OMIM 612712.

Allele frequency attached by ClinVar (database versions not stated): ExAC 0.00001.
gnomAD v4.1: 3 of 1,611,396 alleles (0.00019%); highest among the groups gnomAD compares: Non-Finnish European, 0.00025%; no homozygotes.

Submission:

Labcorp Genetics (formerly Invitae), Labcorp
Classification: Uncertain significance for Leber congenital amaurosis 13. Last evaluated: 2022-07-14. Review status: criteria provided, single submitter. Criteria: Invitae Variant Classification Sherloc (09022015). Collection method: clinical testing. Allele origin: germline.
Comment: This sequence change replaces arginine, which is basic and polar, with cysteine, which is neutral and slightly polar, at codon 234 of the RDH12 protein (p.Arg234Cys). The frequency data for this variant in the population databases is considered unreliable, as metrics indicate poor data quality at this position in the gnomAD database. This variant has not been reported in the literature in individuals affected with RDH12-related conditions. Algorithms developed to predict the effect of missense changes on protein structure and function (SIFT, PolyPhen-2, Align-GVGD) all suggest that this variant is likely to be tolerated. This variant disrupts the p.Arg234 amino acid residue in RDH12. Other variant(s) that disrupt this residue have been determined to be pathogenic (PMID: 16269441, 19011012, 30979730; Invitae). This suggests that this residue is clinically significant, and that variants that disrupt this residue are likely to be disease-causing. In summary, the available evidence is currently insufficient to determine the role of this variant in disease. Therefore, it has been classified as a Variant of Uncertain Significance.

Literature cited by the submitters: PubMed 16269441; PubMed 19011012; PubMed 30979730.

NM_152443.3(RDH12):c.700C>T (p.Arg234Cys)

Genes: GPHN (gephyrin; plus strand), ZFYVE26 (zinc finger FYVE-type containing 26; minus strand), RDH12 (retinol dehydrogenase 12; plus strand). Cytogenetic location: 14q24.1.
Variant type: single nucleotide variant.
Coding change: c.700C>T on transcript NM_152443.3 (MANE Select); coding-DNA position 700, C replaced by T.
Protein change: p.Arg234Cys; replaces arginine 234 with cysteine.
Molecular consequence: missense variant.
Genome position (GRCh38, 1-based): chr14:67,729,232, C>T. VCF-style: chr14-67729232-C-T. GRCh37 (hg19) VCF-style: chr14-68195949-C-T.
Other names: short protein forms R234C.
Identifiers: ClinVar variation 2155897 (VCV002155897.1), dbSNP rs765385733, ClinGen allele CA7238797.